The following is an entry in ClinVar:

ClinVar aggregate classification (germline): Uncertain significance (1 of 4 stars; one submission).

Submission:

GeneDx
Classification: Uncertain significance. Last evaluated: 2024-09-19. Review status: criteria provided, single submitter. Criteria: GeneDx Variant Classification Process June 2021. Collection method: clinical testing. Allele origin: germline. Affected: yes.
Comment: Not observed at significant frequency in large population cohorts (gnomAD); In silico analysis supports that this missense variant has a deleterious effect on protein structure/function; Has not been previously published as pathogenic or benign to our knowledge

NM_147191.1(MMP21):c.536G>C (p.Arg179Pro)

Gene: MMP21 (matrix metallopeptidase 21; minus strand). Cytogenetic location: 10q26.2.
Variant type: single nucleotide variant.
Coding change: c.536G>C on transcript NM_147191.1 (MANE Select); coding-DNA position 536, G replaced by C.
Protein change: p.Arg179Pro; replaces arginine 179 with proline.
Molecular consequence: missense variant.
Genome position (GRCh38, 1-based): chr10:125,773,992, C>G on the plus strand (G>C on the coding strand, the complement: MMP21 is on the minus strand). VCF-style: chr10-125773992-C-G. GRCh37 (hg19) VCF-style: chr10-127462561-C-G.
Other names: short protein forms R179P.
Identifiers: ClinVar variation 3774107 (VCV003774107.1).